The following is an entry in ClinVar:

NM_012123.4(MTO1):c.1756+85A>C

Gene: MTO1 (mitochondrial tRNA translation optimization 1; plus strand). Cytogenetic location: 6q13.
Variant type: single nucleotide variant.
Coding change: c.1756+85A>C on transcript NM_012123.4 (MANE Select); 85 bases into the intron after coding-DNA position 1756, A replaced by C.
Molecular consequence: intron variant.
Genome position (GRCh38, 1-based): chr6:73,492,437, A>C. VCF-style: chr6-73492437-A-C. GRCh37 (hg19) VCF-style: chr6-74202160-A-C.
Other names: c.1831+85A>C (NM_133645.3); c.1876+85A>C (NM_001123226.2).
Identifiers: ClinVar variation 671626 (VCV000671626.1), dbSNP rs73452507, ClinGen allele CA15428711.
Genomic context (GRCh38, chr6:73,492,437, plus strand): 5'-ATACCTTTATCATATGTGCAAATTATGAATAGACAACAGATCCATTATTACTGTTGGACC[A>C]GCACAGTGTTAGCTTCTGTGCTTTTCAAAAGTGTGGTCCTCAGCTAAGAGCATTGCAACA-3'

ClinVar aggregate classification (germline): Benign (1 of 4 stars; one submission).

Allele frequency attached by ClinVar (database versions not stated): gnomAD exomes 0.17720; TOPMed 0.19218; 1000 Genomes Project 0.19549; 1000 Genomes Project 30x 0.19628.
gnomAD v4.1: 161,797 of 899,406 alleles (18%); highest among the groups gnomAD compares: East Asian, 23%; 15,054 homozygotes.

Submission:

GeneDx
Classification: Benign. Last evaluated: 2018-06-16. Review status: criteria provided, single submitter. Criteria: GeneDx Variant Classification (06012015). Collection method: clinical testing. Allele origin: germline. Affected: yes.
Comment: This variant is considered likely benign or benign based on one or more of the following criteria: it is a conservative change, it occurs at a poorly conserved position in the protein, it is predicted to be benign by multiple in silico algorithms, and/or has population frequency not consistent with disease.